The following is an entry in ClinVar:

ClinVar aggregate classification (germline): Uncertain significance (1 of 4 stars; one submission).

Conditions:
Gastrointestinal stromal tumor. Also called: Gastrointestinal stromal tumor, somatic; Gastrointestinal stroma tumor. Identifiers: Orphanet 44890, MedGen C0238198, MeSH D046152, MONDO:0011719, OMIM 606764, HP:0100723.

Submission:

Labcorp Genetics (formerly Invitae), Labcorp
Classification: Uncertain significance for Gastrointestinal stromal tumor. Last evaluated: 2023-09-27. Review status: criteria provided, single submitter. Criteria: Invitae Variant Classification Sherloc (09022015). Collection method: clinical testing. Allele origin: germline.
Comment: This sequence change replaces asparagine, which is neutral and polar, with histidine, which is basic and polar, at codon 77 of the PDGFRA protein (p.Asn77His). This variant is not present in population databases (gnomAD no frequency). This variant has not been reported in the literature in individuals affected with PDGFRA-related conditions. Advanced modeling of protein sequence and biophysical properties (such as structural, functional, and spatial information, amino acid conservation, physicochemical variation, residue mobility, and thermodynamic stability) performed at Invitae indicates that this missense variant is not expected to disrupt PDGFRA protein function. In summary, the available evidence is currently insufficient to determine the role of this variant in disease. Therefore, it has been classified as a Variant of Uncertain Significance.

NM_006206.6(PDGFRA):c.229A>C (p.Asn77His)

Gene: PDGFRA (platelet derived growth factor receptor alpha; plus strand). Cytogenetic location: 4q12.
Variant type: single nucleotide variant.
Coding change: c.229A>C on transcript NM_006206.6 (MANE Select); coding-DNA position 229, A replaced by C.
Protein change: p.Asn77His; replaces asparagine 77 with histidine.
Molecular consequence: missense variant.
Genome position (GRCh38, 1-based): chr4:54,261,274, A>C. VCF-style: chr4-54261274-A-C. GRCh37 (hg19) VCF-style: chr4-55127441-A-C.
Other names: c.229A>C, p.Asn77His (NM_001347827.2, NM_001347829.2); c.304A>C, p.Asn102His (NM_001347828.2); c.268A>C, p.Asn90His (NM_001347830.2); short protein forms N102H, N77H, N90H.
Identifiers: ClinVar variation 2763786 (VCV002763786.3), dbSNP rs2475422558, ClinGen allele CA356888561.